The following is an entry in ClinVar:

NM_012330.4(KAT6B):c.2742_2743del (p.Tyr915fs)

Gene: KAT6B (lysine acetyltransferase 6B; plus strand). Cytogenetic location: 10q22.2.
Variant type: Microsatellite.
Coding change: c.2742_2743del on transcript NM_012330.4 (MANE Select); coding-DNA positions 2742 to 2743, 2 bases deleted (CT; older notation c.2742_2743delCT).
Protein change: p.Tyr915fs; shifts the reading frame from tyrosine 915.
Molecular consequence: frameshift variant.
Genome position (GRCh38, 1-based): chr10:75,020,694-75,020,695, CT deleted; deleting any 2 consecutive bases within chr10:75,020,691-75,020,695 gives the same sequence; the c. name uses the placement nearest the transcript's 3' end. VCF-style (leftmost placement, unchanged base first): chr10-75020690-ATC-A. GRCh37 (hg19) VCF-style: chr10-76780448-ATC-A.
Other names: c.2193_2194del, p.Tyr732fs (NM_001256468.2, NM_001370138.1); c.1866_1867del, p.Tyr623fs (NM_001256469.2, NM_001370139.1, NM_001370140.1 and 2 more transcripts); c.1704_1705del, p.Tyr569fs (NM_001370132.1); c.1053_1054del, p.Tyr352fs (NM_001370133.1); c.657_658del, p.Tyr220fs (NM_001370134.1); c.399_400del, p.Tyr134fs (NM_001370135.1); c.2742_2743del, p.Tyr915fs (NM_001370136.1, NM_001370137.1); c.1677_1678del, p.Tyr560fs (NM_001370143.1, NM_001370144.1); short protein forms Y732fs, Y569fs, Y623fs, Y134fs, Y220fs, Y352fs, Y560fs, Y915fs.
Identifiers: ClinVar variation 1482376 (VCV001482376.6), dbSNP rs2134154014, ClinGen allele CA2580615512.

ClinVar aggregate classification (germline): Uncertain significance (1 of 4 stars; one submission).

Conditions:
Genitopatellar syndrome (GTPTS). Also called: Genitopatellar syndrome (GPS); ABSENT PATELLAE, SCROTAL HYPOPLASIA, RENAL ANOMALIES, FACIAL DYSMORPHISM, AND MENTAL RETARDATION. Identifiers: Orphanet 85201, MedGen C1853566, MONDO:0011640, OMIM 606170.

Submission:

Labcorp Genetics (formerly Invitae), Labcorp
Classification: Uncertain significance for Genitopatellar syndrome. Last evaluated: 2021-10-21. Review status: criteria provided, single submitter. Criteria: Invitae Variant Classification Sherloc (09022015). Collection method: clinical testing. Allele origin: germline.
Comment: In summary, the available evidence is currently insufficient to determine the role of this variant in disease. Therefore, it has been classified as a Variant of Uncertain Significance. This variant has not been reported in the literature in individuals affected with KAT6B-related conditions. This variant is not present in population databases (ExAC no frequency). This sequence change creates a premature translational stop signal (p.Tyr915Profs*4) in the KAT6B gene. While this is not anticipated to result in nonsense mediated decay, it is expected to disrupt the last 1159 amino acid(s) of the KAT6B protein.